The following is an entry in ClinVar:

NM_001029883.3(PCARE):c.3589C>T (p.Arg1197Cys)

Gene: PCARE (photoreceptor cilium actin regulator; minus strand). Cytogenetic location: 2p23.2.
Variant type: single nucleotide variant.
Coding change: c.3589C>T on transcript NM_001029883.3 (MANE Select); coding-DNA position 3589, C replaced by T.
Protein change: p.Arg1197Cys; replaces arginine 1197 with cysteine.
Molecular consequence: missense variant.
Genome position (GRCh38, 1-based): chr2:29,070,673, G>A on the plus strand (C>T on the coding strand, the complement: PCARE is on the minus strand). VCF-style: chr2-29070673-G-A. GRCh37 (hg19) VCF-style: chr2-29293539-G-A.
Other names: short protein forms R1197C.
Identifiers: ClinVar variation 962669 (VCV000962669.11), dbSNP rs369031088, ClinGen allele CA1591890.
Genomic context (GRCh38, chr2:29,070,673, plus strand): 5'-ATTCATAAGAGGTGCTGGTGGGGTCCAAGGTGGGAGGCTGCGGTCGGCCACCTGGCTGGC[G>A]GTCAGAAGCTGTCCTCCTGAGGAAAGGCAGAGGGTTGAGGGCACACAGAGCTGCTCTCCG-3'
Protein context (NP_001025054.1, residues 1187-1207): LPFLRRTASD[Arg1197Cys]QPGGRPQPPT

ClinVar aggregate classification (germline): Uncertain significance. Review status: criteria provided, multiple submitters, no conflicts (2 of 4 stars). 4 submissions from 4 submitters: Uncertain significance (3). 1 of the submissions does not count toward it. Last evaluated 2026-06-01.

Conditions:
Retinal dystrophy. Also called: Inherited retinal dystrophy. Identifiers: Orphanet 71862, MedGen C0854723, MeSH D058499, MONDO:0019118, HP:0000556.
PCARE-related disorder. Also called: PCARE-related condition.

Allele frequency attached by ClinVar (database versions not stated): TOPMed 0.00003; gnomAD 0.00004.
gnomAD v4.1: 62 of 1,614,018 alleles (0.0038%); highest among the groups gnomAD compares: Admixed American, 0.018%; no homozygotes.

Submissions (4):

PreventionGenetics, part of Exact Sciences
Classification: Uncertain significance for PCARE-related condition. Last evaluated: 2026-06-01. Review status: criteria provided, single submitter. Criteria: ACMG Guidelines, 2015. Collection method: clinical testing. Allele origin: germline.
Comment: The PCARE c.3589C>T variant is predicted to result in the amino acid substitution p.Arg1197Cys. To our knowledge, this variant has not been reported in the literature. This variant is reported in 0.016% of alleles in individuals of South Asian descent in gnomAD. At this time, the clinical significance of this variant is uncertain due to the absence of conclusive functional and genetic evidence.

Labcorp Genetics (formerly Invitae), Labcorp
Classification: Uncertain significance. Last evaluated: 2025-05-05. Review status: criteria provided, single submitter. Criteria: Invitae Variant Classification Sherloc (09022015). Collection method: clinical testing. Allele origin: germline.
Comment: This sequence change replaces arginine, which is basic and polar, with cysteine, which is neutral and slightly polar, at codon 1197 of the PCARE protein (p.Arg1197Cys). This variant is present in population databases (rs369031088, gnomAD 0.02%). This variant has not been reported in the literature in individuals affected with PCARE-related conditions. ClinVar contains an entry for this variant (Variation ID: 962669). An algorithm developed to predict the effect of missense changes on protein structure and function outputs the following: PolyPhen-2: "Benign". The cysteine amino acid residue is found in multiple mammalian species, which suggests that this missense change does not adversely affect protein function. In summary, the available evidence is currently insufficient to determine the role of this variant in disease. Therefore, it has been classified as a Variant of Uncertain Significance.

Blueprint Genetics
Classification: Uncertain significance. Last evaluated: 2024-10-11. Review status: criteria provided, single submitter. Criteria: ACMG Guidelines, 2015. Collection method: clinical testing. Allele origin: germline.

Institute of Human Genetics, Univ. Regensburg, Univ. Regensburg
Classification: Uncertain significance for Retinal dystrophy. Last evaluated: 2020-01-01. Review status: no assertion criteria provided. Criteria: ACMG Guidelines, 2015. Collection method: clinical testing. Allele origin: germline. Affected: yes. Not counted in ClinVar's aggregate classification.